The following is an entry in ClinVar:

NM_001083962.2(TCF4):c.1551C>T (p.Asp517=)

Gene: TCF4 (transcription factor 4; minus strand). Cytogenetic location: 18q21.2.
Variant type: single nucleotide variant.
Coding change: c.1551C>T on transcript NM_001083962.2 (MANE Select); coding-DNA position 1551, C replaced by T.
Protein change: p.Asp517=; no amino-acid change (aspartic acid 517 retained).
Molecular consequence: synonymous variant.
Genome position (GRCh38, 1-based): chr18:55,232,607, G>A on the plus strand (C>T on the coding strand, the complement: TCF4 is on the minus strand). VCF-style: chr18-55232607-G-A. GRCh37 (hg19) VCF-style: chr18-52899838-G-A.
Other names: p.D517D:GAC>GAT; c.1857C>T, p.Asp619= (NM_001243226.3); c.1479C>T, p.Asp493= (NM_001243227.2, NM_001306207.1, NM_001348217.1 and 5 more transcripts); c.1569C>T, p.Asp523= (NM_001243228.2); c.1542C>T, p.Asp514= (NM_001243230.2); c.1425C>T, p.Asp475= (NM_001243231.2, NM_001348211.2); c.1338C>T, p.Asp446= (NM_001243232.1, NM_001306208.1); c.1161C>T, p.Asp387= (NM_001243233.2, NM_001330605.3, NM_001348212.2 and 1 more transcripts); and 7 more.
Identifiers: ClinVar variation 139409 (VCV000139409.46), dbSNP rs140862252, ClinGen allele CA293887.

ClinVar aggregate classification (germline): Benign/Likely benign. Review status: criteria provided, multiple submitters, no conflicts (2 of 4 stars). 7 submissions from 7 submitters: Benign (4); Likely benign (3). Last evaluated 2026-01-19.

Conditions:
Inborn genetic diseases. Identifiers: MedGen C0950123, MeSH D030342.
Pitt-Hopkins syndrome (PTHS). Also called: ENCEPHALOPATHY, SEVERE EPILEPTIC, WITH AUTONOMIC DYSFUNCTION; MENTAL RETARDATION, SYNDROMAL, WITH INTERMITTENT HYPERVENTILATION. Identifiers: Orphanet 2896, MedGen C1970431, MONDO:0012589, OMIM 610954.

Allele frequency attached by ClinVar (database versions not stated): ESP Exome Variant Server 0.00008; TOPMed 0.00010; gnomAD 0.00012 and 0.00017; gnomAD exomes 0.00037 and 0.00045; ExAC 0.00040; 1000 Genomes Project 30x 0.00062; 1000 Genomes Project 0.00080.
gnomAD v4.1: 679 of 1,614,028 alleles (0.042%); highest among the groups gnomAD compares: South Asian, 0.18%; 3 homozygotes.

Submissions (7):

Labcorp Genetics (formerly Invitae), Labcorp
Classification: Benign for Pitt-Hopkins syndrome. Last evaluated: 2026-01-19. Review status: criteria provided, single submitter. Criteria: Invitae Variant Classification Sherloc (09022015). Collection method: clinical testing. Allele origin: germline.

Blueprint Genetics
Classification: Likely benign. Last evaluated: 2024-10-23. Review status: criteria provided, single submitter. Criteria: ACMG Guidelines, 2015. Collection method: clinical testing. Allele origin: germline.

CeGaT Center for Human Genetics Tuebingen
Classification: Likely benign. Last evaluated: 2024-04-01. Review status: criteria provided, single submitter. Criteria: CeGaT Center For Human Genetics Tuebingen Variant Classification Criteria Version 2. Collection method: clinical testing. Allele origin: germline. Affected: yes. Observed: 4 variant alleles.
Comment: TCF4: BP4, BP7, BS1

Ambry Genetics
Classification: Likely benign for Inborn genetic diseases. Last evaluated: 2019-08-21. Review status: criteria provided, single submitter. Criteria: Ambry Variant Classification Scheme 2023. Collection method: clinical testing. Allele origin: germline.

Illumina Laboratory Services, Illumina
Classification: Benign for Pitt-Hopkins syndrome. Last evaluated: 2018-01-13. Review status: criteria provided, single submitter. Criteria: ICSL Variant Classification Criteria 13 December 2019. Collection method: clinical testing. Allele origin: germline.
Comment: This variant was observed in the ICSL laboratory as part of a predisposition screen in an ostensibly healthy population. It had not been previously curated by ICSL or reported in the Human Gene Mutation Database (HGMD: prior to June 1st, 2018), and was therefore a candidate for classification through an automated scoring system. Utilizing variant allele frequency, disease prevalence and penetrance estimates, and inheritance mode, an automated score was calculated to assess if this variant is too frequent to cause the disease. Based on the score and internal cut-off values, a variant classified as benign is not then subjected to further curation. The score for this variant resulted in a classification of benign for this disease.

GeneDx
Classification: Benign. Last evaluated: 2014-01-14. Review status: criteria provided, single submitter. Criteria: GeneDx Variant Classification (06012015). Collection method: clinical testing. Allele origin: germline. Affected: yes.
Comment: This variant is considered likely benign or benign based on one or more of the following criteria: it is a conservative change, it occurs at a poorly conserved position in the protein, it is predicted to be benign by multiple in silico algorithms, and/or has population frequency not consistent with disease.

Breakthrough Genomics
Classification: Benign. Review status: criteria provided, single submitter. Criteria: ACMG Guidelines, 2015. Collection method: not provided. Allele origin: germline. Inheritance: Autosomal dominant inheritance. Affected: yes.